The following is an entry in ClinVar:

NC_000015.10:g.84817144C>A

Gene: ALPK3 (alpha kinase 3; plus strand). Cytogenetic location: 15q25.3.
Variant type: single nucleotide variant.
Genome position: GRCh38 VCF-style: chr15-84817144-C-A. GRCh37 (hg19) VCF-style: chr15-85360375-C-A.
Identifiers: ClinVar variation 2069258 (VCV002069258.4), dbSNP rs1305275655, ClinGen allele CA393368622.

ClinVar aggregate classification (germline): Uncertain significance (1 of 4 stars; one submission).

Allele frequency attached by ClinVar (database versions not stated): TOPMed below 0.00001; gnomAD exomes 0.00001; gnomAD 0.00001.

Submission:

Labcorp Genetics (formerly Invitae), Labcorp
Classification: Uncertain significance. Last evaluated: 2025-08-17. Review status: criteria provided, single submitter. Criteria: Invitae Variant Classification Sherloc (09022015). Collection method: clinical testing. Allele origin: germline.
Comment: This sequence change replaces proline, which is neutral and non-polar, with threonine, which is neutral and polar, at codon 100 of the ALPK3 protein (p.Pro100Thr). This variant is not present in population databases (gnomAD no frequency). This variant has not been reported in the literature in individuals affected with ALPK3-related conditions. ClinVar contains an entry for this variant (Variation ID: 2069258). An algorithm developed to predict the effect of missense changes on protein structure and function (PolyPhen-2) suggests that this variant is likely to be disruptive. In summary, the available evidence is currently insufficient to determine the role of this variant in disease. Therefore, it has been classified as a Variant of Uncertain Significance.